The following is an entry in ClinVar:

NM_015425.6(POLR1A):c.817+7T>G

Gene: POLR1A (RNA polymerase I subunit A; minus strand). Cytogenetic location: 2p11.2.
Variant type: single nucleotide variant.
Coding change: c.817+7T>G on transcript NM_015425.6 (MANE Select); 7 bases into the intron after coding-DNA position 817, T replaced by G.
Molecular consequence: intron variant.
Genome position (GRCh38, 1-based): chr2:86,083,075, A>C on the plus strand (T>G on the coding strand, the complement: POLR1A is on the minus strand). VCF-style: chr2-86083075-A-C. GRCh37 (hg19) VCF-style: chr2-86310198-A-C.
Identifiers: ClinVar variation 2046622 (VCV002046622.4), dbSNP rs2466459098, ClinGen allele CA2580068276.

ClinVar aggregate classification (germline): Uncertain significance (1 of 4 stars; one submission).

Submission:

Labcorp Genetics (formerly Invitae), Labcorp
Classification: Uncertain significance. Last evaluated: 2022-08-24. Review status: criteria provided, single submitter. Criteria: Invitae Variant Classification Sherloc (09022015). Collection method: clinical testing. Allele origin: germline.
Comment: This sequence change falls in intron 7 of the POLR1A gene. It does not directly change the encoded amino acid sequence of the POLR1A protein. This variant is not present in population databases (gnomAD no frequency). This variant has not been reported in the literature in individuals affected with POLR1A-related conditions. Algorithms developed to predict the effect of sequence changes on RNA splicing suggest that this variant may disrupt the consensus splice site. In summary, the available evidence is currently insufficient to determine the role of this variant in disease. Therefore, it has been classified as a Variant of Uncertain Significance.